The following is an entry in ClinVar:

NM_177438.3(DICER1):c.5259C>G (p.Asp1753Glu)

Gene: DICER1 (dicer 1, ribonuclease III; minus strand). Cytogenetic location: 14q32.13.
Variant type: single nucleotide variant.
Coding change: c.5259C>G on transcript NM_177438.3 (MANE Select); coding-DNA position 5259, C replaced by G.
Protein change: p.Asp1753Glu; replaces aspartic acid 1753 with glutamic acid.
Molecular consequence: missense variant.
Genome position (GRCh38, 1-based): chr14:95,093,993, G>C on the plus strand (C>G on the coding strand, the complement: DICER1 is on the minus strand). VCF-style: chr14-95093993-G-C. GRCh37 (hg19) VCF-style: chr14-95560330-G-C.
Other names: NM_177438.3(DICER1):c.5259C>G; p.Asp1753Glu; c.5259C>G, p.Asp1753Glu (NM_001195573.1, NM_001271282.3, NM_001291628.2 and 1 more transcripts); short protein forms D1753E.
Identifiers: ClinVar variation 477252 (VCV000477252.18), dbSNP rs1165221864, ClinGen allele CA390865100.
Genomic context (GRCh38, chr14:95,093,993, plus strand): 5'-CACAAAGTCATCAATGACATGGAAGAGCTCAGGAGAGACAGCTTTGAAGTACTTGTGGTA[G>C]TCGTACTTTACAGCCAGCGATGCAAAGATGGTGTTGTTGACCAGGGCAGACCGCAGGTCT-3'
Protein context (NP_803187.1, residues 1743-1763): TIFASLAVKY[Asp1753Glu]YHKYFKAVSP

ClinVar aggregate classification (germline): Uncertain significance. Review status: reviewed by expert panel (3 of 4 stars). 3 submissions from 3 submitters: Uncertain significance (1). 2 of the submissions do not count toward it. Last evaluated 2025-08-26.

Conditions:
DICER1-related tumor predisposition. Also called: DICER1-related pleuropulmonary blastoma cancer predisposition syndrome; DICER1 syndrome. Identifiers: Orphanet 284343, MedGen C3839822, MONDO:0100216.
Hereditary cancer-predisposing syndrome. Also called: Tumor predisposition; Neoplastic Syndromes, Hereditary; Hereditary Cancer Syndrome; Hereditary neoplastic syndrome. Identifiers: Orphanet 140162, MedGen C0027672, MeSH D009386, MONDO:0015356.

Allele frequency attached by ClinVar (database versions not stated): TOPMed 0.00001.
gnomAD v4.1: 2 of 1,614,118 alleles (0.00012%); highest among the groups gnomAD compares: Admixed American, 0.0017%; no homozygotes.

Submissions (3):

ClinGen DICER1 and miRNA-Processing Gene Variant Curation Expert Panel, ClinGen
Classification: Uncertain significance for DICER1-related tumor predisposition. Last evaluated: 2025-08-26. Review status: reviewed by expert panel. Criteria: ClinGen DICER1 ACMG Specifications DICER1 V1.4.0. Collection method: curation. Allele origin: germline. Inheritance: Autosomal dominant inheritance.
Comment: The NM_177438.2:c.5259C>G variant in DICER1 is a missense variant predicted to cause substitution of aspartic acid by glutamic acid at amino acid 1753 (p.Asp1753Glu). Although this variant has been observed in germline cases, to our knowledge, this variant has not been reported in individuals with DICER1-related tumor predisposition (PS4 not met; Internal lab contributors). This variant has an allele frequency of 0.000001239 (2/1614118 alleles) across gnomAD v4.1.0 with no more than one allele in any subpopulation, which is lower than the ClinGen DICER1 VCEP threshold (<0.000005) for PM2_Supporting, and therefore meets this criterion (PM2_Supporting). This variant resides within the RNase IIIb domain (PM1_Supporting; PMID: 31342592). In summary, this variant meets the criteria to be classified as Uncertain Significance for DICER1-related tumor predisposition based on the ACMG/AMP criteria applied, as specified by the ClinGen DICER1 VCEP: PM2_Supporting, PM1_Supporting. (Bayesian Points: 2; VCEP specifications version 1.4.0; 08/26/2025)

Ambry Genetics
Classification: Uncertain significance for Hereditary cancer-predisposing syndrome. Last evaluated: 2025-07-22. Review status: criteria provided, single submitter. Criteria: Ambry Variant Classification Scheme 2023. Collection method: clinical testing. Allele origin: germline. Not counted in ClinVar's aggregate classification.
Comment: The p.D1753E variant (also known as c.5259C>G), located in coding exon 23 of the DICER1 gene, results from a C to G substitution at nucleotide position 5259. The aspartic acid at codon 1753 is replaced by glutamic acid, an amino acid with highly similar properties. This amino acid position is highly conserved in available vertebrate species. In addition, the in silico prediction for this alteration is inconclusive. Based on the available evidence, the clinical significance of this variant remains unclear.

Labcorp Genetics (formerly Invitae), Labcorp
Classification: Uncertain significance for DICER1-related tumor predisposition. Last evaluated: 2025-05-27. Review status: criteria provided, single submitter. Criteria: Invitae Variant Classification Sherloc (09022015). Collection method: clinical testing. Allele origin: germline. Not counted in ClinVar's aggregate classification.
Comment: This sequence change replaces aspartic acid, which is acidic and polar, with glutamic acid, which is acidic and polar, at codon 1753 of the DICER1 protein (p.Asp1753Glu). This variant is not present in population databases (gnomAD no frequency). This variant has not been reported in the literature in individuals affected with DICER1-related conditions. ClinVar contains an entry for this variant (Variation ID: 477252). Invitae Evidence Modeling of protein sequence and biophysical properties (such as structural, functional, and spatial information, amino acid conservation, physicochemical variation, residue mobility, and thermodynamic stability) indicates that this missense variant is not expected to disrupt DICER1 protein function with a negative predictive value of 95%. In summary, the available evidence is currently insufficient to determine the role of this variant in disease. Therefore, it has been classified as a Variant of Uncertain Significance.